The following is an entry in ClinVar:

NM_014855.3(AP5Z1):c.*659G>A

Gene: AP5Z1 (adaptor related protein complex 5 subunit zeta 1; plus strand). Cytogenetic location: 7p22.1.
Variant type: single nucleotide variant.
Coding change: c.*659G>A on transcript NM_014855.3 (MANE Select); 659 bases downstream of the stop codon, G replaced by A.
Molecular consequence: 3 prime UTR variant. On other transcripts: non-coding transcript variant (1).
Genome position (GRCh38, 1-based): chr7:4,792,044, G>A. VCF-style: chr7-4792044-G-A. GRCh37 (hg19) VCF-style: chr7-4831675-G-A.
Other names: c.*659G>A (NM_001364858.1).
Identifiers: ClinVar variation 910923 (VCV000910923.4), dbSNP rs140612456, ClinGen allele CA12624474.

ClinVar aggregate classification (germline): Benign (1 of 4 stars; one submission).

Conditions:
Hereditary spastic paraplegia 48. Also called: Spastic paraplegia 48; SPASTIC PARAPLEGIA 48, AUTOSOMAL RECESSIVE. Identifiers: Orphanet 306511, MedGen C3150901, MONDO:0013342, OMIM 613647.

Allele frequency attached by ClinVar (database versions not stated): 1000 Genomes Project 0.01358; 1000 Genomes Project 30x 0.01390; TOPMed 0.03393; gnomAD 0.03763 and 0.03865; gnomAD exomes 0.05556.
gnomAD v4.1: 5,717 of 152,500 alleles (3.7%); highest among the groups gnomAD compares: Non-Finnish European, 5.7%; 161 homozygotes.

Submission:

Illumina Laboratory Services, Illumina
Classification: Benign for Hereditary spastic paraplegia 48. Last evaluated: 2017-04-27. Review status: criteria provided, single submitter. Criteria: ICSL Variant Classification Criteria 13 December 2019. Collection method: clinical testing. Allele origin: germline.
Comment: This variant was observed as part of a predisposition screen in an ostensibly healthy population. A literature search was performed for the gene, cDNA change, and amino acid change (where applicable). No publications were found based on this search. Allele frequency data from public databases was too high to be consistent with this variant causing disease. Therefore, this variant is classified as benign.